The following is an entry in ClinVar:

ClinVar aggregate classification (germline): Uncertain significance. Review status: criteria provided, multiple submitters, no conflicts (2 of 4 stars). 3 submissions from 3 submitters: Uncertain significance (3). Last evaluated 2024-12-08.

Conditions:
Paramyotonia congenita of Von Eulenburg. Also called: PARALYSIS PERIODICA PARAMYOTONICA; Paramyotonia Congenita; Eulenburg disease; Myotonia congenita intermittens; Von Eulenburg paramyotonia congenita. Identifiers: Orphanet 684, MedGen C0221055, MONDO:0008195, OMIM 168300. Disease mechanism: loss of function.
Hypokalemic periodic paralysis, type 2 (HOKPP2). Identifiers: Orphanet 681, MedGen C2750061, MONDO:0013234, OMIM 613345.
Hypokalemic periodic paralysis, type 1. Also called: Hypokalemic Periodic Paralysis Type 1 (AD); HypoPP. Identifiers: Orphanet 681, MedGen C3714580, MONDO:0042979, OMIM 170400.
Potassium-aggravated myotonia. Also called: MYOTONIA CONGENITA, ACETAZOLAMIDE-RESPONSIVE; MYOTONIA CONGENITA, ATYPICAL; Myotonia congenita, atypical, acetazolamide-responsive; SODIUM CHANNEL MUSCLE DISEASE. Identifiers: Orphanet 612, Orphanet 99734, Orphanet 99735, Orphanet 99736, MedGen C2931826, MONDO:0018959, OMIM 608390.
Congenital myasthenic syndrome 16. Identifiers: Orphanet 590, MedGen C3280112, MONDO:0013620, OMIM 614198.
Hyperkalemic periodic paralysis. Also called: Familial hyperkalemic periodic paralysis; Gamstorp disease. Identifiers: Orphanet 682, MedGen C0238357, MONDO:0008224, OMIM 170500, HP:0007215.

Allele frequency attached by ClinVar (database versions not stated): gnomAD 0.00001; gnomAD exomes below 0.00001; TOPMed 0.00001.
gnomAD v4.1: 2 of 1,591,248 alleles (0.00013%); highest among the groups gnomAD compares: Admixed American, 0.0036%; no homozygotes.

Submissions (3):

Labcorp Genetics (formerly Invitae), Labcorp
Classification: Uncertain significance for Hyperkalemic periodic paralysis. Last evaluated: 2024-12-08. Review status: criteria provided, single submitter. Criteria: Invitae Variant Classification Sherloc (09022015). Collection method: clinical testing. Allele origin: germline.
Comment: This sequence change replaces alanine, which is neutral and non-polar, with threonine, which is neutral and polar, at codon 398 of the SCN4A protein (p.Ala398Thr). This variant is not present in population databases (gnomAD no frequency). This variant has not been reported in the literature in individuals affected with SCN4A-related conditions. ClinVar contains an entry for this variant (Variation ID: 477398). Invitae Evidence Modeling of protein sequence and biophysical properties (such as structural, functional, and spatial information, amino acid conservation, physicochemical variation, residue mobility, and thermodynamic stability) indicates that this missense variant is not expected to disrupt SCN4A protein function with a negative predictive value of 95%. In summary, the available evidence is currently insufficient to determine the role of this variant in disease. Therefore, it has been classified as a Variant of Uncertain Significance.

Fulgent Genetics
Classification: Uncertain significance for Paramyotonia congenita of Von Eulenburg; Hypokalemic periodic paralysis, type 1; Hyperkalemic periodic paralysis; Potassium-aggravated myotonia; Hypokalemic periodic paralysis, type 2; Congenital myasthenic syndrome 16. Last evaluated: 2022-05-01. Review status: criteria provided, single submitter. Criteria: ACMG Guidelines, 2015. Collection method: clinical testing. Allele origin: unknown.

GeneDx
Classification: Uncertain significance. Last evaluated: 2019-10-15. Review status: criteria provided, single submitter. Criteria: GeneDx Variant Classification Process June 2021. Collection method: clinical testing. Allele origin: germline. Affected: yes.
Comment: Not observed in large population cohorts (Lek et al., 2016); In silico analysis, which includes protein predictors and evolutionary conservation, supports that this variant does not alter protein structure/function; Has not been previously published as pathogenic or benign to our knowledge

NM_000334.4(SCN4A):c.1192G>A (p.Ala398Thr)

Gene: SCN4A (sodium voltage-gated channel alpha subunit 4; minus strand). Cytogenetic location: 17q23.3.
Variant type: single nucleotide variant.
Coding change: c.1192G>A on transcript NM_000334.4 (MANE Select); coding-DNA position 1192, G replaced by A.
Protein change: p.Ala398Thr; replaces alanine 398 with threonine.
Molecular consequence: missense variant.
Genome position (GRCh38, 1-based): chr17:63,966,152, C>T on the plus strand (G>A on the coding strand, the complement: SCN4A is on the minus strand). VCF-style: chr17-63966152-C-T. GRCh37 (hg19) VCF-style: chr17-62043512-C-T.
Other names: short protein forms A398T.
Identifiers: ClinVar variation 477398 (VCV000477398.10), dbSNP rs1174261819, ClinGen allele CA400636015.